The following is an entry in ClinVar:

NM_006612.6(KIF1C):c.1751-7T>A

Genes: KIF1C (kinesin family member 1C; plus strand), LOC126862473 (CDK7 strongly-dependent group 2 enhancer GRCh37_chr17:4923264-4924463; plus strand). Cytogenetic location: 17p13.2.
Variant type: single nucleotide variant.
Coding change: c.1751-7T>A on transcript NM_006612.6 (MANE Select); 7 bases into the intron before coding-DNA position 1751, T replaced by A.
Molecular consequence: intron variant.
Genome position (GRCh38, 1-based): chr17:5,020,485, T>A. VCF-style: chr17-5020485-T-A. GRCh37 (hg19) VCF-style: chr17-4923780-T-A.
Other names: p.?.
Identifiers: ClinVar variation 385057 (VCV000385057.50), dbSNP rs148404628, ClinGen allele CA8319118.

ClinVar aggregate classification (germline): Benign/Likely benign. Review status: criteria provided, multiple submitters, no conflicts (2 of 4 stars). 7 submissions from 7 submitters: Benign (6); Likely benign (1). Last evaluated 2026-09-01.

Conditions:
Hereditary spastic paraplegia. Also called: Familial spastic paraparesis. Identifiers: Orphanet 685, MedGen C0037773, MONDO:0019064. Disease mechanism: loss of function.
Spastic ataxia 2. Also called: Ataxia, spastic, 2, autosomal recessive. Identifiers: Orphanet 397946, MedGen C1969796, MONDO:0012651, OMIM 611302.

Allele frequency attached by ClinVar (database versions not stated): gnomAD 0.00703 and 0.00709; ExAC 0.00726; TOPMed 0.00736; 1000 Genomes Project 30x 0.00390; 1000 Genomes Project 0.00419; ESP Exome Variant Server 0.00692; gnomAD exomes 0.00699.
gnomAD v4.1: 14,111 of 1,604,314 alleles (0.88%); highest among the groups gnomAD compares: Middle Eastern, 1.3%; 82 homozygotes.

Submissions (26):

CeGaT Center for Human Genetics Tuebingen
Classification: Benign. Last evaluated: 2026-09-01. Review status: criteria provided, single submitter. Criteria: CeGaT Center For Human Genetics Tuebingen Variant Classification Criteria Version 2. Collection method: clinical testing. Allele origin: germline. Affected: yes. Observed: 60 variant alleles.
Comment: KIF1C: BP4, BS1, BS2

Labcorp Genetics (formerly Invitae), Labcorp
Classification: Benign for Spastic ataxia 2. Last evaluated: 2026-01-24. Review status: criteria provided, single submitter. Criteria: Invitae Variant Classification Sherloc (09022015). Collection method: clinical testing. Allele origin: germline.

Genomic Medicine Center of Excellence, King Faisal Specialist Hospital and Research Centre
Classification: Likely benign. Last evaluated: 2025-08-18. Review status: criteria provided, single submitter. Criteria: ACMG Guidelines, 2015. Collection method: clinical testing. Allele origin: germline.

Mayo Clinic Laboratories, Mayo Clinic
Classification: Benign. Last evaluated: 2023-11-15. Review status: criteria provided, single submitter. Criteria: ACMG Guidelines, 2015. Collection method: clinical testing. Allele origin: germline. Observed: 9 variant alleles.
Comment: BS1, BS2, BP4, BP7

Genome Diagnostics Laboratory, The Hospital for Sick Children
Classification: Benign for Hereditary spastic paraplegia. Last evaluated: 2021-06-06. Review status: criteria provided, single submitter. Criteria: ACMG Guidelines, 2015. Collection method: clinical testing. Allele origin: germline. Affected: yes.

GeneDx
Classification: Benign. Last evaluated: 2016-07-06. Review status: criteria provided, single submitter. Criteria: GeneDx Variant Classification (06012015). Collection method: clinical testing. Allele origin: germline. Affected: yes.
Comment: This variant is considered likely benign or benign based on one or more of the following criteria: it is a conservative change, it occurs at a poorly conserved position in the protein, it is predicted to be benign by multiple in silico algorithms, and/or has population frequency not consistent with disease.

Breakthrough Genomics
Classification: Benign. Review status: criteria provided, single submitter. Criteria: ACMG Guidelines, 2015. Collection method: not provided. Allele origin: germline. Inheritance: Autosomal recessive inheritance. Affected: yes.

Dr. Peter K. Rogan Lab, Western University
No classification provided (evidence only). Condition: Lung cancer. Review status: no classification provided. Collection method: in vitro. Allele origin: not applicable. Functional consequence: retained intron. Not counted in ClinVar's aggregate classification.

Dr. Peter K. Rogan Lab, Western University
No classification provided (evidence only). Condition: Familial cancer of breast. Review status: no classification provided. Collection method: in vitro. Allele origin: not applicable. Functional consequence: retained intron. Not counted in ClinVar's aggregate classification.

Dr. Peter K. Rogan Lab, Western University
No classification provided (evidence only). Condition: Cervical cancer. Review status: no classification provided. Collection method: in vitro. Allele origin: not applicable. Functional consequence: retained intron. Not counted in ClinVar's aggregate classification.

Dr. Peter K. Rogan Lab, Western University
No classification provided (evidence only). Condition: Cervical cancer. Review status: no classification provided. Collection method: in vitro. Allele origin: not applicable. Functional consequence: retained intron. Not counted in ClinVar's aggregate classification.

Dr. Peter K. Rogan Lab, Western University
No classification provided (evidence only). Condition: Cervical cancer. Review status: no classification provided. Collection method: in vitro. Allele origin: not applicable. Functional consequence: retained intron. Not counted in ClinVar's aggregate classification.

Dr. Peter K. Rogan Lab, Western University
No classification provided (evidence only). Condition: Sarcoma. Review status: no classification provided. Collection method: in vitro. Allele origin: not applicable. Functional consequence: retained intron. Not counted in ClinVar's aggregate classification.

Dr. Peter K. Rogan Lab, Western University
No classification provided (evidence only). Condition: Thymoma. Review status: no classification provided. Collection method: in vitro. Allele origin: not applicable. Functional consequence: retained intron. Not counted in ClinVar's aggregate classification.

Dr. Peter K. Rogan Lab, Western University
No classification provided (evidence only). Condition: Thymoma. Review status: no classification provided. Collection method: in vitro. Allele origin: not applicable. Functional consequence: retained intron. Not counted in ClinVar's aggregate classification.

Dr. Peter K. Rogan Lab, Western University
No classification provided (evidence only). Condition: Ovarian serous cystadenocarcinoma. Review status: no classification provided. Collection method: in vitro. Allele origin: not applicable. Functional consequence: retained intron. Not counted in ClinVar's aggregate classification.

Dr. Peter K. Rogan Lab, Western University
No classification provided (evidence only). Condition: Ovarian serous cystadenocarcinoma. Review status: no classification provided. Collection method: in vitro. Allele origin: not applicable. Functional consequence: retained intron. Not counted in ClinVar's aggregate classification.

Dr. Peter K. Rogan Lab, Western University
No classification provided (evidence only). Condition: Ovarian serous cystadenocarcinoma. Review status: no classification provided. Collection method: in vitro. Allele origin: not applicable. Functional consequence: retained intron. Not counted in ClinVar's aggregate classification.

Dr. Peter K. Rogan Lab, Western University
No classification provided (evidence only). Condition: Ovarian serous cystadenocarcinoma. Review status: no classification provided. Collection method: in vitro. Allele origin: not applicable. Functional consequence: retained intron. Not counted in ClinVar's aggregate classification.

Dr. Peter K. Rogan Lab, Western University
No classification provided (evidence only). Condition: Gastric cancer. Review status: no classification provided. Collection method: in vitro. Allele origin: not applicable. Functional consequence: retained intron. Not counted in ClinVar's aggregate classification.

Dr. Peter K. Rogan Lab, Western University
No classification provided (evidence only). Condition: Gastric cancer. Review status: no classification provided. Collection method: in vitro. Allele origin: not applicable. Functional consequence: retained intron. Not counted in ClinVar's aggregate classification.

Dr. Peter K. Rogan Lab, Western University
No classification provided (evidence only). Condition: Gastric cancer. Review status: no classification provided. Collection method: in vitro. Allele origin: not applicable. Functional consequence: retained intron. Not counted in ClinVar's aggregate classification.

Dr. Peter K. Rogan Lab, Western University
No classification provided (evidence only). Condition: Gastric cancer. Review status: no classification provided. Collection method: in vitro. Allele origin: not applicable. Functional consequence: retained intron. Not counted in ClinVar's aggregate classification.

Dr. Peter K. Rogan Lab, Western University
No classification provided (evidence only). Condition: Malignant tumor of esophagus. Review status: no classification provided. Collection method: in vitro. Allele origin: not applicable. Functional consequence: retained intron. Not counted in ClinVar's aggregate classification.

Dr. Peter K. Rogan Lab, Western University
No classification provided (evidence only). Condition: Malignant tumor of esophagus. Review status: no classification provided. Collection method: in vitro. Allele origin: not applicable. Functional consequence: retained intron. Not counted in ClinVar's aggregate classification.

Dr. Peter K. Rogan Lab, Western University
No classification provided (evidence only). Condition: Malignant tumor of esophagus. Review status: no classification provided. Collection method: in vitro. Allele origin: not applicable. Functional consequence: retained intron. Not counted in ClinVar's aggregate classification.